The following is an entry in ClinVar:

ClinVar aggregate classification (germline): Uncertain significance. Review status: criteria provided, multiple submitters, no conflicts (2 of 4 stars). 2 submissions from 2 submitters: Uncertain significance (2). Last evaluated 2026-07-14.

Conditions:
NPHP1-related disorder. Also called: NPHP1-related condition; NPHP1-related disorders.
Nephronophthisis. Also called: Juvenile Nephronophthisis. Identifiers: Orphanet 655, MedGen C0687120, MONDO:0019005, HP:0000090.

Allele frequency attached by ClinVar (database versions not stated): ExAC 0.00001; gnomAD exomes 0.00001; TOPMed 0.00001.
gnomAD v4.1: 12 of 1,612,206 alleles (0.00074%); highest among the groups gnomAD compares: Admixed American, 0.0033%; no homozygotes.

Submissions (2):

PreventionGenetics, part of Exact Sciences
Classification: Uncertain significance for NPHP1-related condition. Last evaluated: 2026-07-14. Review status: criteria provided, single submitter. Criteria: ACMG Guidelines, 2015. Collection method: clinical testing. Allele origin: germline.
Comment: The NPHP1 c.1322C>T variant is predicted to result in the amino acid substitution p.Pro441Leu. To our knowledge, this variant has not been reported in the literature. This variant is reported in 0.0058% of alleles in individuals of Latino descent in gnomAD. At this time, the clinical significance of this variant is uncertain due to the absence of conclusive functional and genetic evidence.

Labcorp Genetics (formerly Invitae), Labcorp
Classification: Uncertain significance for Nephronophthisis. Last evaluated: 2025-02-24. Review status: criteria provided, single submitter. Criteria: Invitae Variant Classification Sherloc (09022015). Collection method: clinical testing. Allele origin: germline.
Comment: This sequence change replaces proline, which is neutral and non-polar, with leucine, which is neutral and non-polar, at codon 441 of the NPHP1 protein (p.Pro441Leu). This variant is present in population databases (rs774634654, gnomAD 0.006%). This variant has not been reported in the literature in individuals affected with NPHP1-related conditions. ClinVar contains an entry for this variant (Variation ID: 1974782). Invitae Evidence Modeling of protein sequence and biophysical properties (such as structural, functional, and spatial information, amino acid conservation, physicochemical variation, residue mobility, and thermodynamic stability) indicates that this missense variant is not expected to disrupt NPHP1 protein function with a negative predictive value of 80%. In summary, the available evidence is currently insufficient to determine the role of this variant in disease. Therefore, it has been classified as a Variant of Uncertain Significance.

NM_001128178.3(NPHP1):c.1154C>T (p.Pro385Leu)

Genes: NPHP1 (nephrocystin 1; minus strand), LOC126806306 (P300/CBP strongly-dependent group 1 enhancer GRCh37_chr2:110906815-110908014; plus strand). Cytogenetic location: 2q13.
Variant type: single nucleotide variant.
Coding change: c.1154C>T on transcript NM_001128178.3 (MANE Select); coding-DNA position 1154, C replaced by T.
Protein change: p.Pro385Leu; replaces proline 385 with leucine.
Molecular consequence: missense variant.
Genome position (GRCh38, 1-based): chr2:110,150,186, G>A on the plus strand (C>T on the coding strand, the complement: NPHP1 is on the minus strand). VCF-style: chr2-110150186-G-A. GRCh37 (hg19) VCF-style: chr2-110907763-G-A.
Other names: c.1322C>T, p.Pro441Leu (NM_000272.5); c.965C>T, p.Pro322Leu (NM_001128179.3); c.1151C>T, p.Pro384Leu (NM_001374256.1); c.1154C>T, p.Pro385Leu (NM_001374257.1); c.1319C>T, p.Pro440Leu (NM_207181.4); c.1322C>T (NM_000272.3); short protein forms P322L, P385L, P384L, P440L, P441L.
Identifiers: ClinVar variation 1974782 (VCV001974782.4), dbSNP rs774634654, ClinGen allele CA1827116.